The following is an entry in ClinVar:

NM_001846.4(COL4A2):c.3301G>A (p.Gly1101Arg)

Gene: COL4A2 (collagen type IV alpha 2 chain; plus strand). Cytogenetic location: 13q34.
Variant type: single nucleotide variant.
Coding change: c.3301G>A on transcript NM_001846.4 (MANE Select); coding-DNA position 3301, G replaced by A.
Protein change: p.Gly1101Arg; replaces glycine 1101 with arginine.
Molecular consequence: missense variant.
Genome position (GRCh38, 1-based): chr13:110,489,740, G>A. VCF-style: chr13-110489740-G-A. GRCh37 (hg19) VCF-style: chr13-111142087-G-A.
Other names: c.3301G>A (NM_001846.2); short protein forms G1101R.
Identifiers: ClinVar variation 2704892 (VCV002704892.4), dbSNP rs2502178507, ClinGen allele CA388731083.

ClinVar aggregate classification (germline): Conflicting classifications of pathogenicity. Review status: criteria provided, conflicting classifications (1 of 4 stars). 2 submissions from 2 submitters: Likely pathogenic (1); Uncertain significance (1). Last evaluated 2024-07-17.

Submissions (2):

GeneDx
Classification: Likely pathogenic. Last evaluated: 2024-07-17. Review status: criteria provided, single submitter. Criteria: GeneDx Variant Classification Process June 2021. Collection method: clinical testing. Allele origin: germline. Affected: yes.
Comment: Not observed at significant frequency in large population cohorts (gnomAD); In silico analysis supports that this missense variant has a deleterious effect on protein structure/function; Has not been previously published as pathogenic or benign to our knowledge

Labcorp Genetics (formerly Invitae), Labcorp
Classification: Uncertain significance. Last evaluated: 2024-03-01. Review status: criteria provided, single submitter. Criteria: Invitae Variant Classification Sherloc (09022015). Collection method: clinical testing. Allele origin: germline.
Comment: This sequence change replaces glycine, which is neutral and non-polar, with arginine, which is basic and polar, at codon 1101 of the COL4A2 protein (p.Gly1101Arg). This variant is not present in population databases (gnomAD no frequency). This variant has not been reported in the literature in individuals affected with COL4A2-related conditions. Advanced modeling of protein sequence and biophysical properties (such as structural, functional, and spatial information, amino acid conservation, physicochemical variation, residue mobility, and thermodynamic stability) has been performed at Invitae for this missense variant, however the output from this modeling did not meet the statistical confidence thresholds required to predict the impact of this variant on COL4A2 protein function. In summary, the available evidence is currently insufficient to determine the role of this variant in disease. Therefore, it has been classified as a Variant of Uncertain Significance.